The following is an entry in ClinVar:

ClinVar aggregate classification (germline): Uncertain significance. Review status: criteria provided, multiple submitters, no conflicts (2 of 4 stars). 3 submissions from 3 submitters: Uncertain significance (3). Last evaluated 2024-10-15.

Conditions:
Hereditary cancer-predisposing syndrome. Also called: Hereditary Cancer Syndrome; Hereditary neoplastic syndrome; Neoplastic Syndromes, Hereditary; Tumor predisposition. Identifiers: Orphanet 140162, MedGen C0027672, MeSH D009386, MONDO:0015356.
Hereditary diffuse gastric adenocarcinoma (HDGC). Also called: DIFFUSE GASTRIC AND LOBULAR BREAST CANCER SYNDROME. Identifiers: Orphanet 26106, MedGen C1708349, MONDO:0007648, OMIM 137215.

Allele frequency attached by ClinVar (database versions not stated): ExAC 0.00001; gnomAD exomes 0.00001.

Submissions (3):

Labcorp Genetics (formerly Invitae), Labcorp
Classification: Uncertain significance for Hereditary diffuse gastric adenocarcinoma. Last evaluated: 2024-10-15. Review status: criteria provided, single submitter. Criteria: Invitae Variant Classification Sherloc (09022015). Collection method: clinical testing. Allele origin: germline.
Comment: This sequence change replaces glycine, which is neutral and non-polar, with aspartic acid, which is acidic and polar, at codon 661 of the CDH1 protein (p.Gly661Asp). This variant is not present in population databases (gnomAD no frequency). This variant has not been reported in the literature in individuals affected with CDH1-related conditions. ClinVar contains an entry for this variant (Variation ID: 925391). An algorithm developed to predict the effect of missense changes on protein structure and function (PolyPhen-2) suggests that this variant is likely to be disruptive. In summary, the available evidence is currently insufficient to determine the role of this variant in disease. Therefore, it has been classified as a Variant of Uncertain Significance.

Ambry Genetics
Classification: Uncertain significance for Hereditary cancer-predisposing syndrome. Last evaluated: 2024-02-20. Review status: criteria provided, single submitter. Criteria: Ambry Variant Classification Scheme 2023. Collection method: clinical testing. Allele origin: germline.
Comment: The p.G661D variant (also known as c.1982G>A), located in coding exon 13 of the CDH1 gene, results from a G to A substitution at nucleotide position 1982. The glycine at codon 661 is replaced by aspartic acid, an amino acid with similar properties. This amino acid position is highly conserved in available vertebrate species. In addition, this alteration is predicted to be deleterious by in silico analysis. Since supporting evidence is limited at this time, the clinical significance of this alteration remains unclear.

Color Diagnostics, LLC DBA Color Health
Classification: Uncertain significance for Hereditary cancer-predisposing syndrome. Last evaluated: 2023-12-04. Review status: criteria provided, single submitter. Criteria: ACMG Guidelines, 2015. Collection method: clinical testing. Allele origin: germline.
Comment: This missense variant replaces glycine with aspartic acid at codon 661 of the CDH1 protein. To our knowledge, functional studies have not been reported for this variant. This variant has not been reported in individuals affected with CDH1-related disorders in the literature. This variant has not been identified in the general population by the Genome Aggregation Database (gnomAD). The available evidence is insufficient to determine the role of this variant in disease conclusively. Therefore, this variant is classified as a Variant of Uncertain Significance.

NM_004360.5(CDH1):c.1982G>A (p.Gly661Asp)

Gene: CDH1 (cadherin 1; plus strand). Cytogenetic location: 16q22.1.
Variant type: single nucleotide variant.
Coding change: c.1982G>A on transcript NM_004360.5 (MANE Select); coding-DNA position 1982, G replaced by A.
Protein change: p.Gly661Asp; replaces glycine 661 with aspartic acid.
Molecular consequence: missense variant.
Genome position (GRCh38, 1-based): chr16:68,823,444, G>A. VCF-style: chr16-68823444-G-A. GRCh37 (hg19) VCF-style: chr16-68857347-G-A.
Other names: c.1799G>A, p.Gly600Asp (NM_001317184.2); c.434G>A, p.Gly145Asp (NM_001317185.2); c.17G>A, p.Gly6Asp (NM_001317186.2); short protein forms G145D, G6D, G661D, G600D.
Identifiers: ClinVar variation 925391 (VCV000925391.16), dbSNP rs756092625, ClinGen allele CA8130184.